The following is an entry in ClinVar:

NM_000214.3(JAG1):c.659G>A (p.Cys220Tyr)

Gene: JAG1 (jagged canonical Notch ligand 1; minus strand). Cytogenetic location: 20p12.2.
Variant type: single nucleotide variant.
Coding change: c.659G>A on transcript NM_000214.3 (MANE Select); coding-DNA position 659, G replaced by A.
Protein change: p.Cys220Tyr; replaces cysteine 220 with tyrosine.
Molecular consequence: missense variant.
Genome position (GRCh38, 1-based): chr20:10,658,503, C>T on the plus strand (G>A on the coding strand, the complement: JAG1 is on the minus strand). VCF-style: chr20-10658503-C-T. GRCh37 (hg19) VCF-style: chr20-10639151-C-T.
Other names: short protein forms C220Y.
Identifiers: ClinVar variation 3573078 (VCV003573078.3).

ClinVar aggregate classification (germline): Uncertain significance (1 of 4 stars; one submission).

Submissions (2):

Blueprint Genetics
Classification: Uncertain significance. Last evaluated: 2024-09-05. Review status: criteria provided, single submitter. Criteria: ACMG Guidelines, 2015. Collection method: clinical testing. Allele origin: germline.

Gilbert/Spinner Lab, Children's Hospital of Philadelphia
No classification provided (evidence only). Condition: Alagille syndrome. Review status: no classification provided. Collection method: research. Allele origin: not applicable. Functional consequence: functionally_abnormal. Not counted in ClinVar's aggregate classification.
ClinVar note: "not provided" was previously submitted as the classification for the variant. However, the classification appeared to be based only on an observation of functional data so it was converted to no classification on 2025-07-30.